The following is an entry in ClinVar:

ClinVar aggregate classification (germline): Pathogenic (1 of 4 stars; one submission).

Conditions:
Familial cancer of breast. Also called: Hereditary breast cancer; BREAST CANCER, FAMILIAL; hereditary breast carcinoma. Identifiers: Orphanet 227535, MedGen C0346153, MONDO:0016419, OMIM 114480. Disease mechanism: loss of function.

Submission:

Labcorp Genetics (formerly Invitae), Labcorp
Classification: Pathogenic for Familial cancer of breast. Last evaluated: 2022-07-05. Review status: criteria provided, single submitter. Criteria: Invitae Variant Classification Sherloc (09022015). Collection method: clinical testing. Allele origin: germline.
Comment: This variant is a gross deletion of the genomic region encompassing exon(s) 5-6 of the PALB2 gene. This deletion is out-of-frame, and is expected to create a premature termination codon and result in an absent or disrupted protein product. Loss-of-function variants in PALB2 are known to be pathogenic (PMID: 17200668, 17200671, 17200672, 24136930, 25099575). A similar copy number variant has been observed in individual(s) with breast cancer and/or Fanconi anemia (PMID: 33224012, 33718150). For these reasons, this variant has been classified as Pathogenic.

Literature cited by the submitters: PubMed 17200668; PubMed 17200671; PubMed 17200672; PubMed 24136930; PubMed 25099575; PubMed 33224012; PubMed 33718150.

NC_000016.9:g.(?_23640505)_(23641810_?)del

Gene: PALB2 (partner and localizer of BRCA2; minus strand). Cytogenetic location: 16p12.2.
Variant type: Deletion.
Identifiers: ClinVar variation 2426867 (VCV002426867.3).